The following is an entry in ClinVar:

NM_000548.5(TSC2):c.360A>T (p.Arg120Ser)

Gene: TSC2 (TSC complex subunit 2; plus strand). Cytogenetic location: 16p13.3.
Variant type: single nucleotide variant.
Coding change: c.360A>T on transcript NM_000548.5 (MANE Select); coding-DNA position 360, A replaced by T.
Protein change: p.Arg120Ser; replaces arginine 120 with serine.
Molecular consequence: missense variant. On other transcripts: 5 prime UTR variant (14), non-coding transcript variant (5), intron variant (6).
Genome position (GRCh38, 1-based): chr16:2,054,319, A>T. VCF-style: chr16-2054319-A-T. GRCh37 (hg19) VCF-style: chr16-2104320-A-T.
Other names: c.213A>T, p.Arg71Ser (NM_001406675.1, NM_001406676.1, NM_001406679.1 and 1 more transcripts); c.303A>T, p.Arg101Ser (NM_001406677.1); c.249A>T, p.Arg83Ser (NM_001406678.1, NM_001406670.1, NM_001318827.2); c.-457A>T (NM_001406680.1, NM_001406683.1, NM_001406687.1); c.-86A>T (NM_001406681.1); c.-1072A>T (NM_001406689.1, NM_001406690.1, NM_001406691.1 and 2 more transcripts); c.-1288A>T (NM_001406693.1); c.-953A>T (NM_001406694.1, NM_001406695.1); and 6 more; short protein forms R101S, R120S, R131S, R150S, R71S, R83S.
Identifiers: ClinVar variation 4866076 (VCV004866076.1).

ClinVar aggregate classification (germline): Uncertain significance (1 of 4 stars; one submission).

Conditions:
Hereditary cancer-predisposing syndrome. Also called: Neoplastic Syndromes, Hereditary; Tumor predisposition; Hereditary Cancer Syndrome; Hereditary neoplastic syndrome. Identifiers: Orphanet 140162, MedGen C0027672, MeSH D009386, MONDO:0015356.

Submission:

Ambry Genetics
Classification: Uncertain significance for Hereditary cancer-predisposing syndrome. Last evaluated: 2026-03-29. Review status: criteria provided, single submitter. Criteria: Ambry Variant Classification Scheme 2023. Collection method: clinical testing. Allele origin: germline.
Comment: The p.R120S variant (also known as c.360A>T), located in coding exon 4 of the TSC2 gene, results from an A to T substitution at nucleotide position 360. The arginine at codon 120 is replaced by serine, an amino acid with dissimilar properties. This amino acid position is conserved. In addition, this alteration is predicted to be deleterious by in silico analysis. Based on the available evidence, the clinical significance of this variant remains unclear.